The following is an entry in ClinVar:

NM_001378454.1(ALMS1):c.8753T>G (p.Leu2918Arg)

Gene: ALMS1 (ALMS1 centrosome and basal body associated protein; plus strand). Cytogenetic location: 2p13.1.
Variant type: single nucleotide variant.
Coding change: c.8753T>G on transcript NM_001378454.1 (MANE Select); coding-DNA position 8753, T replaced by G.
Protein change: p.Leu2918Arg; replaces leucine 2918 with arginine.
Molecular consequence: missense variant.
Genome position (GRCh38, 1-based): chr2:73,490,712, T>G. VCF-style: chr2-73490712-T-G. GRCh37 (hg19) VCF-style: chr2-73717839-T-G.
Other names: c.8756T>G, p.Leu2919Arg (NM_015120.4); short protein forms L2919R, L2918R.
Identifiers: ClinVar variation 2167874 (VCV002167874.2), dbSNP rs772059648, ClinGen allele CA1714533.

ClinVar aggregate classification (germline): Uncertain significance (1 of 4 stars; one submission).

Conditions:
Alstrom syndrome (ALMS). Identifiers: Orphanet 64, MedGen C0268425, MONDO:0008763, OMIM 203800.

Allele frequency attached by ClinVar (database versions not stated): ExAC 0.00001.
gnomAD v4.1: 5 of 1,614,170 alleles (0.00031%); highest among the groups gnomAD compares: East Asian, 0.0022%; no homozygotes.

Submission:

Labcorp Genetics (formerly Invitae), Labcorp
Classification: Uncertain significance for Alstrom syndrome. Last evaluated: 2022-06-14. Review status: criteria provided, single submitter. Criteria: Invitae Variant Classification Sherloc (09022015). Collection method: clinical testing. Allele origin: germline.
Comment: Experimental studies and prediction algorithms are not available or were not evaluated, and the functional significance of this variant is currently unknown. In summary, the available evidence is currently insufficient to determine the role of this variant in disease. Therefore, it has been classified as a Variant of Uncertain Significance. This variant has not been reported in the literature in individuals affected with ALMS1-related conditions. This variant is present in population databases (rs772059648, gnomAD 0.006%). This sequence change replaces leucine, which is neutral and non-polar, with arginine, which is basic and polar, at codon 2919 of the ALMS1 protein (p.Leu2919Arg).